The following is an entry in ClinVar:

ClinVar aggregate classification (germline): not provided (0 of 4 stars; one submission).

Conditions:
Familial cold autoinflammatory syndrome 1 (FCAS1). Also called: CRYOPYRIN-ASSOCIATED PERIODIC SYNDROME 1; Familial cold inflammatory syndrome 1. Identifiers: Orphanet 47045, MedGen C4551895, MONDO:0007349, OMIM 120100.

Allele frequency attached by ClinVar (database versions not stated): TOPMed 0.00011.
gnomAD v4.1: 229 of 1,462,366 alleles (0.016%); highest among the groups gnomAD compares: Non-Finnish European, 0.019%; no homozygotes.

Submission:

Unité médicale des maladies autoinflammatoires, CHRU Montpellier
No classification provided. Condition: Familial cold urticaria. Review status: no classification provided. Collection method: not provided. Allele origin: unknown.
Comment: also involved in OMIM 191900 and 607115

NM_001243133.2(NLRP3):c.398-56C>T

Gene: NLRP3 (NLR family pyrin domain containing 3; plus strand). Cytogenetic location: 1q44.
Variant type: single nucleotide variant.
Coding change: c.398-56C>T on transcript NM_001243133.2 (MANE Select); 56 bases into the intron before coding-DNA position 398, C replaced by T.
Molecular consequence: intron variant.
Genome position (GRCh38, 1-based): chr1:247,423,791, C>T. VCF-style: chr1-247423791-C-T. GRCh37 (hg19) VCF-style: chr1-247587093-C-T.
Other names: c.404-56C>T (NM_004895.5); c.398-56C>T (NM_001127461.3, NM_001127462.3, NM_183395.3 and 1 more transcripts).
Identifiers: ClinVar variation 97961 (VCV000097961.1), dbSNP rs180177455, ClinGen allele CA281322.